The following is an entry in ClinVar:

ClinVar aggregate classification (germline): Likely pathogenic (1 of 4 stars; one submission).

Submission:

Labcorp Genetics (formerly Invitae), Labcorp
Classification: Likely pathogenic. Last evaluated: 2022-01-23. Review status: criteria provided, single submitter. Criteria: Invitae Variant Classification Sherloc (09022015). Collection method: clinical testing. Allele origin: germline.
Comment: This missense change has been observed in individual(s) with simple virilizing congenital adrenal hyperplasia due to 21-hydroxylase deficiency (PMID: 22014889). In at least one individual the data is consistent with being in trans (on the opposite chromosome) from a pathogenic variant. It has also been observed to segregate with disease in related individuals. This sequence change replaces histidine, which is basic and polar, with asparagine, which is neutral and polar, at codon 283 of the CYP21A2 protein (p.His283Asn). The frequency data for this variant in the population databases (gnomAD) is considered unreliable due to the presence of homologous sequence, such as pseudogenes or paralogs, in the genome. This variant is also known as H282N. Advanced modeling of protein sequence and biophysical properties (such as structural, functional, and spatial information, amino acid conservation, physicochemical variation, residue mobility, and thermodynamic stability) performed at Invitae indicates that this missense variant is expected to disrupt CYP21A2 protein function. Experimental studies have shown that this missense change affects CYP21A2 function (PMID: 22014889). In summary, the currently available evidence indicates that the variant is pathogenic, but additional data are needed to prove that conclusively. Therefore, this variant has been classified as Likely Pathogenic.

Literature cited by the submitters: PubMed 22014889.

NM_000500.9(CYP21A2):c.847C>A (p.His283Asn)

Genes: CYP21A2 (cytochrome P450 family 21 subfamily A member 2; plus strand), LOC106780800 (CYP21A2 recombination region; plus strand). Cytogenetic location: 6p21.33.
Variant type: single nucleotide variant.
Coding change: c.847C>A on transcript NM_000500.9 (MANE Select); coding-DNA position 847, C replaced by A.
Protein change: p.His283Asn; replaces histidine 283 with asparagine.
Molecular consequence: missense variant.
Genome position (GRCh38, 1-based): chr6:32,040,113, C>A. VCF-style: chr6-32040113-C-A. GRCh37 (hg19) VCF-style: chr6-32007890-C-A.
Other names: c.757C>A, p.His253Asn (NM_001128590.4); c.442C>A, p.His148Asn (NM_001368143.2, NM_001368144.2); short protein forms H148N, H253N, H283N.
Identifiers: ClinVar variation 2136374 (VCV002136374.3), dbSNP rs2483329842, ClinGen allele CA363506898.